The following is an entry in ClinVar:

NM_000038.6(APC):c.1079T>C (p.Leu360Ser)

Gene: APC (APC regulator of Wnt signaling pathway; plus strand). Cytogenetic location: 5q22.2.
Variant type: single nucleotide variant.
Coding change: c.1079T>C on transcript NM_000038.6 (MANE Select); coding-DNA position 1079, T replaced by C.
Protein change: p.Leu360Ser; replaces leucine 360 with serine.
Molecular consequence: missense variant. On other transcripts: non-coding transcript variant (2), intron variant (15).
Genome position (GRCh38, 1-based): chr5:112,819,111, T>C. VCF-style: chr5-112819111-T-C. GRCh37 (hg19) VCF-style: chr5-112154808-T-C.
Other names: c.1079T>C, p.Leu360Ser (NM_001127510.3, NM_001354895.2, NM_001354896.2 and 4 more transcripts); c.1025T>C, p.Leu342Ser (NM_001127511.3); c.1109T>C, p.Leu370Ser (NM_001354897.2, NM_001407446.1); c.1004T>C, p.Leu335Ser (NM_001354898.2, NM_001407451.1); c.995T>C, p.Leu332Ser (NM_001354899.2, NM_001407452.1); c.902T>C, p.Leu301Ser (NM_001354900.2, NM_001354901.2, NM_001407453.1); c.230T>C, p.Leu77Ser (NM_001354906.2, NM_001407470.1); c.85-158T>C (NM_001407472.1, NM_001407471.1); and 6 more; short protein forms L370S, L301S, L332S, L342S, L335S, L360S, L77S.
Identifiers: ClinVar variation 2887396 (VCV002887396.4), dbSNP rs2149780840, ClinGen allele CA16023671.

ClinVar aggregate classification (germline): Uncertain significance. Review status: criteria provided, multiple submitters, no conflicts (2 of 4 stars). 2 submissions from 2 submitters: Uncertain significance (2). Last evaluated 2024-08-30.

Conditions:
Hereditary cancer-predisposing syndrome. Also called: Neoplastic Syndromes, Hereditary; Hereditary neoplastic syndrome; Tumor predisposition; Hereditary Cancer Syndrome. Identifiers: Orphanet 140162, MedGen C0027672, MeSH D009386, MONDO:0015356.
Familial adenomatous polyposis 1 (FAP1). Also called: FAMILIAL ADENOMATOUS POLYPOSIS 1, ATTENUATED; POLYPOSIS, ADENOMATOUS INTESTINAL. Identifiers: MedGen C2713442, MONDO:0021056, OMIM 175100. Disease mechanism: loss of function.

Submissions (2):

Ambry Genetics
Classification: Uncertain significance for Hereditary cancer-predisposing syndrome. Last evaluated: 2024-08-30. Review status: criteria provided, single submitter. Criteria: Ambry Variant Classification Scheme 2023. Collection method: clinical testing. Allele origin: germline.
Comment: The p.L360S variant (also known as c.1079T>C), located in coding exon 9 of the APC gene, results from a T to C substitution at nucleotide position 1079. The leucine at codon 360 is replaced by serine, an amino acid with dissimilar properties. This amino acid position is conserved. In addition, in silico predictors for this gene do not accurately predict pathogenicity. Based on the available evidence, the clinical significance of this variant remains unclear.

Labcorp Genetics (formerly Invitae), Labcorp
Classification: Uncertain significance for Familial adenomatous polyposis 1. Last evaluated: 2024-07-17. Review status: criteria provided, single submitter. Criteria: Invitae Variant Classification Sherloc (09022015). Collection method: clinical testing. Allele origin: germline.
Comment: This sequence change replaces leucine, which is neutral and non-polar, with serine, which is neutral and polar, at codon 360 of the APC protein (p.Leu360Ser). This variant is not present in population databases (gnomAD no frequency). This variant has not been reported in the literature in individuals affected with APC-related conditions. Advanced modeling of protein sequence and biophysical properties (such as structural, functional, and spatial information, amino acid conservation, physicochemical variation, residue mobility, and thermodynamic stability) performed at Invitae indicates that this missense variant is not expected to disrupt APC protein function with a negative predictive value of 95%. In summary, the available evidence is currently insufficient to determine the role of this variant in disease. Therefore, it has been classified as a Variant of Uncertain Significance.